The following is an entry in ClinVar:

ClinVar aggregate classification (germline): Uncertain significance (1 of 4 stars; one submission).

Submission:

Labcorp Genetics (formerly Invitae), Labcorp
Classification: Uncertain significance. Last evaluated: 2022-08-02. Review status: criteria provided, single submitter. Criteria: Invitae Variant Classification Sherloc (09022015). Collection method: clinical testing. Allele origin: germline.
Comment: This sequence change replaces proline, which is neutral and non-polar, with serine, which is neutral and polar, at codon 228 of the MAP3K20 protein (p.Pro228Ser). This variant is not present in population databases (gnomAD no frequency). In summary, the available evidence is currently insufficient to determine the role of this variant in disease. Therefore, it has been classified as a Variant of Uncertain Significance. Experimental studies and prediction algorithms are not available or were not evaluated, and the functional significance of this variant is currently unknown. This variant has not been reported in the literature in individuals affected with MAP3K20-related conditions.

NM_016653.3(MAP3K20):c.682C>T (p.Pro228Ser)

Genes: MAP3K20 (mitogen-activated protein kinase kinase kinase 20; plus strand), MAP3K20-AS1 (MAP3K20 antisense RNA 1; minus strand). Cytogenetic location: 2q31.1.
Variant type: single nucleotide variant.
Coding change: c.682C>T on transcript NM_016653.3 (MANE Select); coding-DNA position 682, C replaced by T.
Protein change: p.Pro228Ser; replaces proline 228 with serine.
Molecular consequence: missense variant.
Genome position (GRCh38, 1-based): chr2:173,203,808, C>T. VCF-style: chr2-173203808-C-T. GRCh37 (hg19) VCF-style: chr2-174068536-C-T.
Other names: c.682C>T, p.Pro228Ser (NM_133646.3); short protein forms P228S.
Identifiers: ClinVar variation 2020951 (VCV002020951.4), dbSNP rs2468183324, ClinGen allele CA349313639.